The following is an entry in ClinVar:

NM_001206927.2(DNAH8):c.4819C>T (p.Leu1607Phe)

Gene: DNAH8 (dynein axonemal heavy chain 8; plus strand). Cytogenetic location: 6p21.2.
Variant type: single nucleotide variant.
Coding change: c.4819C>T on transcript NM_001206927.2 (MANE Select); coding-DNA position 4819, C replaced by T.
Protein change: p.Leu1607Phe; replaces leucine 1607 with phenylalanine.
Molecular consequence: missense variant.
Genome position (GRCh38, 1-based): chr6:38,842,877, C>T. VCF-style: chr6-38842877-C-T. GRCh37 (hg19) VCF-style: chr6-38810653-C-T.
Other names: c.4168C>T, p.Leu1390Phe (NM_001371.4); short protein forms L1607F, L1390F.
Identifiers: ClinVar variation 525415 (VCV000525415.9), dbSNP rs1554226482, ClinGen allele CA364004527.
Genomic context (GRCh38, chr6:38,842,877, plus strand): 5'-GGAACCCCATTTGATGTGGAATCTGATTCTTTTTGCCTTAGAAATATCATGGAAGCACCA[C>T]TCCTTAAACATAAGGATGATATTGAGGTACATAAGTGTATACGTTCTTATCAATGATCCA-3'
Protein context (NP_001193856.1, residues 1597-1617): FCLRNIMEAP[Leu1607Phe]LKHKDDIEDI

ClinVar aggregate classification (germline): Uncertain significance (1 of 4 stars; one submission).

Conditions:
Primary ciliary dyskinesia. Also called: Ciliary dyskinesia. Identifiers: Orphanet 244, MedGen C0008780, MONDO:0016575, HP:0012265.

Allele frequency attached by ClinVar (database versions not stated): TOPMed below 0.00001; gnomAD 0.00001.
gnomAD v4.1: 1 of 1,613,374 alleles (0.000062%); highest among the groups gnomAD compares: Non-Finnish European, 0.000085%; no homozygotes.

Submission:

Labcorp Genetics (formerly Invitae), Labcorp
Classification: Uncertain significance for Primary ciliary dyskinesia. Last evaluated: 2017-10-07. Review status: criteria provided, single submitter. Criteria: Invitae Variant Classification Sherloc (09022015). Collection method: clinical testing. Allele origin: germline.
Comment: This sequence change replaces leucine with phenylalanine at codon 1607 of the DNAH8 protein (p.Leu1607Phe). The leucine residue is moderately conserved and there is a small physicochemical difference between leucine and phenylalanine. This variant is not present in population databases (ExAC no frequency). This variant has not been reported in the literature in individuals with DNAH8-related disease. Algorithms developed to predict the effect of missense changes on protein structure and function do not agree on the potential impact of this missense change (SIFT: "Deleterious"; PolyPhen-2: "Possibly Damaging"; Align-GVGD: "Class C0"). In summary, the available evidence is currently insufficient to determine the role of this variant in disease. Therefore, it has been classified as a Variant of Uncertain Significance.